The following is an entry in ClinVar:

NM_000132.4(F8):c.362G>A (p.Gly121Asp)

Gene: F8 (coagulation factor VIII; minus strand). Cytogenetic location: Xq28.
Variant type: single nucleotide variant.
Coding change: c.362G>A on transcript NM_000132.4 (MANE Select); coding-DNA position 362, G replaced by A.
Protein change: p.Gly121Asp; replaces glycine 121 with aspartic acid.
Molecular consequence: missense variant.
Genome position (GRCh38, 1-based): chrX:154,996,999, C>T on the plus strand (G>A on the coding strand, the complement: F8 is on the minus strand). VCF-style: chrX-154996999-C-T. GRCh37 (hg19) VCF-style: chrX-154225274-C-T.
Other names: short protein forms G121D.
Identifiers: ClinVar variation 3899330 (VCV003899330.2).

ClinVar aggregate classification (germline): Uncertain significance (1 of 4 stars; one submission).

Conditions:
Hereditary factor VIII deficiency disease (HEMA). Also called: HEMOPHILIA, CLASSIC; AUTOSOMAL HEMOPHILIA A; Hemophilia A; Hemophilia A, congenital; HEM A; Factor 8 deficiency, congenital. Identifiers: Orphanet 98878, MedGen C0019069, MONDO:0010602, OMIM 306700.

Submission:

Juno Genomics, Hangzhou Juno Genomics, Inc
Classification: Uncertain significance for Hereditary factor VIII deficiency disease. Review status: criteria provided, single submitter. Criteria: ACMG Guidelines, 2015. Collection method: clinical testing. Allele origin: germline. Affected: yes.
Comment: Absent from controls (or at extremely low frequency if recessive) in Genome Aggregation Database, Exome Sequencing Project, 1000 Genomes Project, or Exome Aggregation Consortium.;Multiple lines of computational evidence support a deleterious effect on the gene or gene product (conservation, evolutionary, splicing impact, etc).;Patient's phenotype or family history is highly specific for a disease with a single genetic etiology.